The following is an entry in ClinVar:

NM_000284.4(PDHA1):c.1011_1031dup (p.Lys344_Glu345insIleAspValGluValArgLys)

Gene: PDHA1 (pyruvate dehydrogenase E1 subunit alpha 1; plus strand). Cytogenetic location: Xp22.12.
Variant type: Duplication.
Coding change: c.1011_1031dup on transcript NM_000284.4 (MANE Select); coding-DNA positions 1011 to 1031, 21 bases duplicated (AATTGATGTGGAAGTGAGGAA).
Protein change: p.Lys344_Glu345insIleAspValGluValArgLys.
Molecular consequence: inframe insertion.
Genome position (GRCh38, 1-based): chrX:19,359,491-19,359,511, AATTGATGTGGAAGTGAGGAA duplicated; duplicating any 21 consecutive bases within chrX:19,359,490-19,359,511 gives the same sequence; the c. name uses the placement nearest the transcript's 3' end. VCF-style (leftmost placement, unchanged base first): chrX-19359489-G-GAAATTGATGTGGAAGTGAGGA. GRCh37 (hg19) VCF-style: chrX-19377607-G-GAAATTGATGTGGAAGTGAGGA.
Other names: c.1125_1145dup, p.Lys382_Glu383insIleAspValGluValArgLys (NM_001173454.2); c.1032_1052dup, p.Lys351_Glu352insIleAspValGluValArgLys (NM_001173455.2); c.918_938dup, p.Lys313_Glu314insIleAspValGluValArgLys (NM_001173456.2).
Identifiers: ClinVar variation 4070423 (VCV004070423.1).
Genomic context (GRCh38, chrX:19,359,489, plus strand): 5'-TAGTTGGTACCTAAGCTGCTGTTCATTCTAAAACCTTTTACACTGTTACCTAATTTTTAG[G>GAAATTGATGTGGAAGTGAGGA]AAATTGATGTGGAAGTGAGGAAGGAGATTGAGGATGCTGCCCAGTTTGCCACGGCCGATC-3'

ClinVar aggregate classification (germline): Pathogenic (0 of 4 stars; one submission).

Conditions:
Pyruvate dehydrogenase E1-alpha deficiency (PDHAD). Also called: ATAXIA, INTERMITTENT, WITH PYRUVATE DEHYDROGENASE DEFICIENCY; ATAXIA WITH LACTIC ACIDOSIS I; ATAXIA, INTERMITTENT, WITH ABNORMAL PYRUVATE METABOLISM; Ataxia, intermittent, with pyruvate dehydrogenase, or decarboxylase, deficiency. Identifiers: Orphanet 79243, MedGen C1839413, MONDO:0010717, OMIM 312170.

Submission:

PDHA1 Study Group, University Children’s Hospital, Paracelsus Medical University
Classification: Pathogenic for Pyruvate dehydrogenase E1-alpha deficiency. Last evaluated: 2024-10-15. Review status: no assertion criteria provided. Collection method: research. Allele origin: de novo. Affected: yes. Observed: 1 variant allele.
Comment: The NM_000284.3:c.1011_1031dup (p.Ile338_Lys344dup) change is a deletion-insertion (delins) variant in PDHA1 gene. Among them, 1 case had confirmed de novo occurrence. The variant has been reported in 1 published case (PMIDs: 24718837). Last literature search: July 12, 2024. This variant is absent or extremely rare in population-based cohorts in the Genome Aggregation Database (gnomAD). Individuals harboring this variant presented with clinical features compatible with PDHA1-related PDHc deficiency. In summary, this variant meets criteria to be classified as pathogenic (P) for PDHA1-related PDHc deficiency based on the ACMG/AMP criteria applied: PS2, PM1, PM2, PM4, PM7 (last assessment October 15, 2024).

Literature cited by the submitters: PubMed 24718837; DOI 10.1093/brain/awaf430.